The following is an entry in ClinVar:

ClinVar aggregate classification (germline): Uncertain significance (1 of 4 stars; one submission).

Conditions:
Treacher Collins syndrome 1 (TCS1). Also called: TCOF1-Related Treacher Collins Syndrome. Identifiers: Orphanet 861, MedGen CN315775, MONDO:0007944, OMIM 154500.

Submission:

Labcorp Genetics (formerly Invitae), Labcorp
Classification: Uncertain significance for Treacher Collins syndrome 1. Last evaluated: 2025-12-18. Review status: criteria provided, single submitter. Criteria: Invitae Variant Classification Sherloc (09022015). Collection method: clinical testing. Allele origin: germline.
Comment: This sequence change replaces alanine, which is neutral and non-polar, with threonine, which is neutral and polar, at codon 307 of the TCOF1 protein (p.Ala307Thr). This variant is not present in population databases (gnomAD no frequency). This variant has not been reported in the literature in individuals affected with TCOF1-related conditions. Invitae Evidence Modeling of protein sequence and biophysical properties (such as structural, functional, and spatial information, amino acid conservation, physicochemical variation, residue mobility, and thermodynamic stability) indicates that this missense variant is not expected to disrupt TCOF1 protein function with a negative predictive value of 80%. In summary, the available evidence is currently insufficient to determine the role of this variant in disease. Therefore, it has been classified as a Variant of Uncertain Significance.

NM_001371623.1(TCOF1):c.919G>A (p.Ala307Thr)

Gene: TCOF1 (treacle ribosome biogenesis factor 1; plus strand). Cytogenetic location: 5q32.
Variant type: single nucleotide variant.
Coding change: c.919G>A on transcript NM_001371623.1 (MANE Select); coding-DNA position 919, G replaced by A.
Protein change: p.Ala307Thr; replaces alanine 307 with threonine.
Molecular consequence: missense variant.
Genome position (GRCh38, 1-based): chr5:150,374,222, G>A. VCF-style: chr5-150374222-G-A. GRCh37 (hg19) VCF-style: chr5-149753785-G-A.
Other names: c.688G>A, p.Ala230Thr (NM_000356.4, NM_001135245.2, NM_001437406.1); c.919G>A, p.Ala307Thr (NM_001008657.3, NM_001135243.2, NM_001135244.2 and 1 more transcripts); short protein forms A307T, A230T.
Identifiers: ClinVar variation 4738938 (VCV004738938.1).